The following is an entry in ClinVar:

ClinVar aggregate classification (germline): Likely pathogenic (1 of 4 stars; one submission).

Submission:

Labcorp Genetics (formerly Invitae), Labcorp
Classification: Likely pathogenic. Last evaluated: 2024-04-22. Review status: criteria provided, single submitter. Criteria: Invitae Variant Classification Sherloc (09022015). Collection method: clinical testing. Allele origin: germline.
Comment: This sequence change affects a donor splice site in intron 6 of the OTOG gene. It is expected to disrupt RNA splicing. Variants that disrupt the donor or acceptor splice site typically lead to a loss of protein function (PMID: 16199547), and loss-of-function variants in OTOG are known to be pathogenic (PMID: 23122587). This variant is not present in population databases (gnomAD no frequency). This variant has not been reported in the literature in individuals affected with OTOG-related conditions. ClinVar contains an entry for this variant (Variation ID: 1474700). Algorithms developed to predict the effect of sequence changes on RNA splicing suggest that this variant may disrupt the consensus splice site. In summary, the currently available evidence indicates that the variant is pathogenic, but additional data are needed to prove that conclusively. Therefore, this variant has been classified as Likely Pathogenic.

Literature cited by the submitters: PubMed 16199547; PubMed 23122587.

NM_001292063.2(OTOG):c.659+2T>C

Gene: OTOG (otogelin; plus strand). Cytogenetic location: 11p15.1.
Variant type: single nucleotide variant.
Coding change: c.659+2T>C on transcript NM_001292063.2 (MANE Select); the canonical splice donor site of the intron after coding-DNA position 659, T replaced by C.
Molecular consequence: splice donor variant.
Genome position (GRCh38, 1-based): chr11:17,555,899, T>C. VCF-style: chr11-17555899-T-C. GRCh37 (hg19) VCF-style: chr11-17577446-T-C.
Other names: c.695+2T>C (NM_001277269.2).
Identifiers: ClinVar variation 1474700 (VCV001474700.6), dbSNP rs2134002520, ClinGen allele CA379812881.